The following is an entry in ClinVar:

NM_015559.3(SETBP1):c.1575A>C (p.Lys525Asn)

Gene: SETBP1 (SET binding protein 1; plus strand). Cytogenetic location: 18q12.3.
Variant type: single nucleotide variant.
Coding change: c.1575A>C on transcript NM_015559.3 (MANE Select); coding-DNA position 1575, A replaced by C.
Protein change: p.Lys525Asn; replaces lysine 525 with asparagine.
Molecular consequence: missense variant.
Genome position (GRCh38, 1-based): chr18:44,950,915, A>C. VCF-style: chr18-44950915-A-C. GRCh37 (hg19) VCF-style: chr18-42530880-A-C.
Other names: c.1575A>C, p.Lys525Asn (NM_001379141.1, NM_001379142.1); short protein forms K525N.
Identifiers: ClinVar variation 1311292 (VCV001311292.2), dbSNP rs2145099052, ClinGen allele CA402318815.

ClinVar aggregate classification (germline): Uncertain significance (1 of 4 stars; one submission).

Submission:

GeneDx
Classification: Uncertain significance. Last evaluated: 2020-01-17. Review status: criteria provided, single submitter. Criteria: GeneDx Variant Classification Process June 2021. Collection method: clinical testing. Allele origin: germline. Affected: yes.
Comment: Not observed in large population cohorts (Lek et al., 2016); In silico analysis, which includes protein predictors and evolutionary conservation, supports that this variant does not alter protein structure/function; Has not been previously published as pathogenic or benign to our knowledge